The following is an entry in ClinVar:

NM_138817.3(SLC7A13):c.359T>G (p.Ile120Ser)

Gene: SLC7A13 (solute carrier family 7 member 13; minus strand). Cytogenetic location: 8q21.3.
Variant type: single nucleotide variant.
Coding change: c.359T>G on transcript NM_138817.3 (MANE Select); coding-DNA position 359, T replaced by G.
Protein change: p.Ile120Ser; replaces isoleucine 120 with serine.
Molecular consequence: missense variant.
Genome position (GRCh38, 1-based): chr8:86,229,919, A>C on the plus strand (T>G on the coding strand, the complement: SLC7A13 is on the minus strand). VCF-style: chr8-86229919-A-C. GRCh37 (hg19) VCF-style: chr8-87242148-A-C.
Other names: short protein forms I120S.
Identifiers: ClinVar variation 4705279 (VCV004705279.1).

ClinVar aggregate classification (germline): Uncertain significance (1 of 4 stars; one submission).

gnomAD v4.1: 24 of 1,614,188 alleles (0.0015%); highest among the groups gnomAD compares: Middle Eastern, 0.016%; no homozygotes.

Submission:

Labcorp Genetics (formerly Invitae), Labcorp
Classification: Uncertain significance. Last evaluated: 2025-02-10. Review status: criteria provided, single submitter. Criteria: Invitae Variant Classification Sherloc (09022015). Collection method: clinical testing. Allele origin: germline.
Comment: This sequence change replaces isoleucine, which is neutral and non-polar, with serine, which is neutral and polar, at codon 120 of the SLC7A13 protein (p.Ile120Ser). This variant is present in population databases (rs189885150, gnomAD 0.009%). This variant has not been reported in the literature in individuals affected with SLC7A13-related conditions. An algorithm developed to predict the effect of missense changes on protein structure and function (PolyPhen-2) suggests that this variant is likely to be disruptive. In summary, the available evidence is currently insufficient to determine the role of this variant in disease. Therefore, it has been classified as a Variant of Uncertain Significance.